The following is an entry in ClinVar:

ClinVar aggregate classification (germline): Uncertain significance. Review status: criteria provided, multiple submitters, no conflicts (2 of 4 stars). 3 submissions from 3 submitters: Uncertain significance (3). Last evaluated 2024-10-24.

Conditions:
Meckel-Gruber syndrome. Also called: Dysencephalia splachnocystica; DYSENCEPHALIA SPLANCHNOCYSTICA; GRUBER SYNDROME. Identifiers: Orphanet 564, MedGen C0265215, MONDO:0018921.
Joubert syndrome. Also called: Familial aplasia of the vermis; JOUBERT-BOLTSHAUSER SYNDROME. Identifiers: Orphanet 475, MedGen C5979921, MONDO:0018772.
Meckel syndrome, type 6. Identifiers: Orphanet 564, MedGen C2676790, MONDO:0012848, OMIM 612284.
Joubert syndrome 9 (JBTS9). Identifiers: Orphanet 2318, MedGen C2676788, MONDO:0012849, OMIM 612285.
Retinitis pigmentosa 93. Identifiers: MedGen C5676970, MONDO:0030797, OMIM 619845.
COACH syndrome 2. Identifiers: MedGen C5436837, MONDO:0030859, OMIM 619111.

Allele frequency attached by ClinVar (database versions not stated): 1000 Genomes Project 30x 0.00031; TOPMed 0.00004; ESP Exome Variant Server 0.00008; 1000 Genomes Project 0.00020.
gnomAD v4.1: 14 of 1,611,734 alleles (0.00087%); highest among the groups gnomAD compares: African/African-American, 0.008%; no homozygotes.

Submissions (3):

Labcorp Genetics (formerly Invitae), Labcorp
Classification: Uncertain significance for Joubert syndrome; Meckel-Gruber syndrome. Last evaluated: 2024-10-24. Review status: criteria provided, single submitter. Criteria: Invitae Variant Classification Sherloc (09022015). Collection method: clinical testing. Allele origin: germline.
Comment: This sequence change replaces glycine, which is neutral and non-polar, with serine, which is neutral and polar, at codon 1095 of the CC2D2A protein (p.Gly1095Ser). This variant is present in population databases (rs181260724, gnomAD 0.01%). This variant has not been reported in the literature in individuals affected with CC2D2A-related conditions. ClinVar contains an entry for this variant (Variation ID: 933790). Invitae Evidence Modeling of protein sequence and biophysical properties (such as structural, functional, and spatial information, amino acid conservation, physicochemical variation, residue mobility, and thermodynamic stability) indicates that this missense variant is not expected to disrupt CC2D2A protein function with a negative predictive value of 95%. In summary, the available evidence is currently insufficient to determine the role of this variant in disease. Therefore, it has been classified as a Variant of Uncertain Significance.

Fulgent Genetics
Classification: Uncertain significance for Meckel syndrome, type 6; Joubert syndrome 9; COACH syndrome 2; Retinitis pigmentosa 93. Last evaluated: 2024-03-04. Review status: criteria provided, single submitter. Criteria: ACMG Guidelines, 2015. Collection method: clinical testing. Allele origin: germline.

GeneDx
Classification: Uncertain significance. Last evaluated: 2021-10-29. Review status: criteria provided, single submitter. Criteria: GeneDx Variant Classification Process June 2021. Collection method: clinical testing. Allele origin: germline. Affected: yes.
Comment: Not observed at a significant frequency in large population cohorts (Lek et al., 2016); In silico analysis supports that this missense variant does not alter protein structure/function; Has not been previously published as pathogenic or benign to our knowledge

NM_001378615.1(CC2D2A):c.3283G>A (p.Gly1095Ser)

Genes: CC2D2A (coiled-coil and C2 domain containing 2A; plus strand), FBXL5 (F-box and leucine rich repeat protein 5; minus strand). Cytogenetic location: 4p15.32.
Variant type: single nucleotide variant.
Coding change: c.3283G>A on transcript NM_001378615.1 (MANE Select); coding-DNA position 3283, G replaced by A.
Protein change: p.Gly1095Ser; replaces glycine 1095 with serine.
Molecular consequence: missense variant.
Genome position (GRCh38, 1-based): chr4:15,567,477, G>A. VCF-style: chr4-15567477-G-A. GRCh37 (hg19) VCF-style: chr4-15569100-G-A.
Other names: c.3283G>A, p.Gly1095Ser (NM_001080522.2); c.3136G>A, p.Gly1046Ser (NM_001378617.1); short protein forms G1046S, G1095S.
Identifiers: ClinVar variation 933790 (VCV000933790.9), dbSNP rs181260724, ClinGen allele CA2864123.